The following is an entry in ClinVar:

NM_000426.4(LAMA2):c.3817C>T (p.Gln1273Ter)

Gene: LAMA2 (laminin subunit alpha 2; plus strand). Cytogenetic location: 6q22.33.
Variant type: single nucleotide variant.
Coding change: c.3817C>T on transcript NM_000426.4 (MANE Select); coding-DNA position 3817, C replaced by T.
Protein change: p.Gln1273Ter; replaces glutamine 1273 with a stop codon.
Molecular consequence: nonsense.
Genome position (GRCh38, 1-based): chr6:129,315,843, C>T. VCF-style: chr6-129315843-C-T. GRCh37 (hg19) VCF-style: chr6-129636988-C-T.
Other names: c.3817C>T, p.Gln1273Ter (NM_001079823.2); short protein forms Q1273*.
Identifiers: ClinVar variation 1447020 (VCV001447020.7), dbSNP rs200625655, ClinGen allele CA146914278.

ClinVar aggregate classification (germline): Pathogenic. Review status: criteria provided, multiple submitters, no conflicts (2 of 4 stars). 2 submissions from 2 submitters: Pathogenic (2). Last evaluated 2024-01-12.

Conditions:
LAMA2-related muscular dystrophy (LAMA2-RD). Also called: Laminin alpha 2-related dystrophy. Identifiers: MedGen C5679788, MONDO:0100228.

Allele frequency attached by ClinVar (database versions not stated): gnomAD exomes below 0.00001 and 0.00001; gnomAD 0.00001; 1000 Genomes Project 30x 0.00016; 1000 Genomes Project 0.00020.
gnomAD v4.1: 9 of 1,614,034 alleles (0.00056%); highest among the groups gnomAD compares: Non-Finnish European, 0.00076%; no homozygotes.

Submissions (2):

Women's Health and Genetics/Laboratory Corporation of America, LabCorp
Classification: Pathogenic for LAMA2-related muscular dystrophy. Last evaluated: 2024-01-12. Review status: criteria provided, single submitter. Criteria: LabCorp Variant Classification Summary - May 2015. Collection method: clinical testing. Allele origin: germline.
Comment: Variant summary: LAMA2 c.3817C>T (p.Gln1273X) results in a premature termination codon, predicted to cause a truncation of the encoded protein or absence of the protein due to nonsense mediated decay, which are commonly known mechanisms for disease. The variant allele was found at a frequency of 4e-06 in 251416 control chromosomes. To our knowledge, no occurrence of c.3817C>T in individuals affected with Laminin Alpha 2-Related Dystrophy and no experimental evidence demonstrating its impact on protein function have been reported. ClinVar contains an entry for this variant (Variation ID: 1447020). Based on the evidence outlined above, the variant was classified as pathogenic.

Labcorp Genetics (formerly Invitae), Labcorp
Classification: Pathogenic for LAMA2-related muscular dystrophy. Last evaluated: 2022-06-04. Review status: criteria provided, single submitter. Criteria: Invitae Variant Classification Sherloc (09022015). Collection method: clinical testing. Allele origin: germline.
Comment: For these reasons, this variant has been classified as Pathogenic. This sequence change creates a premature translational stop signal (p.Gln1273*) in the LAMA2 gene. It is expected to result in an absent or disrupted protein product. Loss-of-function variants in LAMA2 are known to be pathogenic (PMID: 18700894, 32904964). This variant is not present in population databases (gnomAD no frequency). This variant has not been reported in the literature in individuals affected with LAMA2-related conditions. ClinVar contains an entry for this variant (Variation ID: 1447020). Algorithms developed to predict the effect of sequence changes on RNA splicing suggest that this variant may disrupt the consensus splice site.

Literature cited by the submitters: PubMed 18700894 (cited by Labcorp Genetics (formerly Invitae), Labcorp); PubMed 32904964 (cited by Labcorp Genetics (formerly Invitae), Labcorp).